The following is an entry in ClinVar:

ClinVar aggregate classification (germline): Uncertain significance. Review status: criteria provided, multiple submitters, no conflicts (2 of 4 stars). 3 submissions from 3 submitters: Uncertain significance (3). Last evaluated 2025-12-16.

Conditions:
TUB-related disorder. Also called: TUB-related condition.

Submissions (4):

Ambry Genetics
Classification: Uncertain significance. Last evaluated: 2025-12-16. Review status: criteria provided, single submitter. Criteria: Ambry Variant Classification Scheme 2023. Collection method: clinical testing. Allele origin: germline.

PreventionGenetics, part of Exact Sciences
Classification: Uncertain significance for TUB-related condition. Last evaluated: 2025-06-21. Review status: criteria provided, single submitter. Criteria: ACMG Guidelines, 2015. Collection method: clinical testing. Allele origin: germline.
Comment: The TUB c.343C>T variant is predicted to result in the amino acid substitution p.Arg115Trp. To our knowledge, this variant has not been reported in the literature. This variant is reported in 0.0055% of alleles in individuals of East Asian descent in gnomAD. At this time, the clinical significance of this variant is uncertain due to the absence of conclusive functional and genetic evidence.

Blueprint Genetics
Classification: Uncertain significance. Last evaluated: 2021-08-05. Review status: criteria provided, single submitter. Criteria: ACMG Guidelines, 2015. Collection method: clinical testing. Allele origin: germline.

Dr. Peter K. Rogan Lab, Western University
No classification provided (evidence only). Condition: Lung cancer. Review status: no classification provided. Collection method: in vitro. Allele origin: not applicable. Functional consequence: retained intron. Not counted in ClinVar's aggregate classification.

NM_177972.3(TUB):c.178C>T (p.Arg60Trp)

Gene: TUB (TUB bipartite transcription factor; plus strand). Cytogenetic location: 11p15.4.
Variant type: single nucleotide variant.
Coding change: c.178C>T on transcript NM_177972.3 (MANE Select); coding-DNA position 178, C replaced by T.
Protein change: p.Arg60Trp; replaces arginine 60 with tryptophan.
Molecular consequence: missense variant.
Genome position (GRCh38, 1-based): chr11:8,090,156, C>T. VCF-style: chr11-8090156-C-T. GRCh37 (hg19) VCF-style: chr11-8111703-C-T.
Other names: NC_000011.9:g.8111703C>T; c.196C>T, p.Arg66Trp (NM_001440538.1, NM_001440539.1, NM_001440540.1 and 1 more transcripts); c.343C>T (NM_003320.4); c.178C>T, p.Arg60Trp (NM_001440541.1); c.343C>T, p.Arg115Trp (NM_003320.5); short protein forms R115W, R66W, R60W.
Identifiers: ClinVar variation 4377388 (VCV004377388.4).